The following is an entry in ClinVar:

NM_002103.5(GYS1):c.234A>G (p.Glu78=)

Gene: GYS1 (glycogen synthase 1; minus strand). Cytogenetic location: 19q13.33.
Variant type: single nucleotide variant.
Coding change: c.234A>G on transcript NM_002103.5 (MANE Select); coding-DNA position 234, A replaced by G.
Protein change: p.Glu78=; no amino-acid change (glutamic acid 78 retained).
Molecular consequence: synonymous variant.
Genome position (GRCh38, 1-based): chr19:48,991,368, T>C on the plus strand (A>G on the coding strand, the complement: GYS1 is on the minus strand). VCF-style: chr19-48991368-T-C. GRCh37 (hg19) VCF-style: chr19-49494625-T-C.
Other names: c.234A>G, p.Glu78= (NM_001161587.2).
Identifiers: ClinVar variation 514449 (VCV000514449.20), dbSNP rs146683677, ClinGen allele CA9563414.

ClinVar aggregate classification (germline): Benign/Likely benign. Review status: criteria provided, multiple submitters, no conflicts (2 of 4 stars). 4 submissions from 4 submitters: Benign (1); Likely benign (1). 2 of the submissions do not count toward it. Last evaluated 2026-01-21.

Conditions:
GYS1-related disorder. Also called: GYS1-related condition.
Glycogen storage disease due to muscle and heart glycogen synthase deficiency. Also called: MUSCLE GLYCOGEN SYNTHASE DEFICIENCY; GSD 0b. Identifiers: Orphanet 137625, MedGen C1969054, MONDO:0012693, OMIM 611556.

Allele frequency attached by ClinVar (database versions not stated): gnomAD exomes 0.00008 and 0.00024; ExAC 0.00031; ESP Exome Variant Server 0.00085; TOPMed 0.00091; gnomAD 0.00100 and 0.00107; 1000 Genomes Project 30x 0.00187; 1000 Genomes Project 0.00200.

Submissions (4):

Labcorp Genetics (formerly Invitae), Labcorp
Classification: Benign for Glycogen storage disease due to muscle and heart glycogen synthase deficiency. Last evaluated: 2026-01-21. Review status: criteria provided, single submitter. Criteria: Invitae Variant Classification Sherloc (09022015). Collection method: clinical testing. Allele origin: germline.

GeneDx
Classification: Likely benign. Last evaluated: 2020-10-26. Review status: criteria provided, single submitter. Criteria: GeneDx Variant Classification Process June 2021. Collection method: clinical testing. Allele origin: germline. Affected: yes.

PreventionGenetics, part of Exact Sciences
Classification: Likely benign for GYS1-related condition. Last evaluated: 2019-10-15. Review status: no assertion criteria provided. Collection method: clinical testing. Allele origin: germline. Not counted in ClinVar's aggregate classification.
Comment: This variant is classified as likely benign based on ACMG/AMP sequence variant interpretation guidelines (Richards et al. 2015 PMID: 25741868, with internal and published modifications).

Mayo Clinic Laboratories, Mayo Clinic
Classification: Likely benign. Last evaluated: 2017-04-13. Review status: no assertion criteria provided. Collection method: clinical testing. Allele origin: unknown. Not counted in ClinVar's aggregate classification.